The following is an entry in ClinVar:

ClinVar aggregate classification (germline): Uncertain significance (1 of 4 stars; one submission).

Conditions:
Intellectual developmental disorder with speech delay, autism, and dysmorphic facies. Identifiers: MedGen C5231456, MONDO:0032864, OMIM 618672.

Submission:

Juno Genomics, Hangzhou Juno Genomics, Inc
Classification: Uncertain significance for Intellectual developmental disorder with speech delay, autism, and dysmorphic facies. Review status: criteria provided, single submitter. Criteria: ACMG Guidelines, 2015. Collection method: clinical testing. Allele origin: germline. Affected: yes.
Comment: Absent from controls (or at extremely low frequency if recessive) in Genome Aggregation Database.;Multiple lines of computational evidence support a deleterious effect on the gene or gene product.;Missense variant in a gene that has a low rate of benign missense variation.;De novo (both maternity and paternity confirmed) in a patient with the disease and no family history.

NM_014516.4(CNOT3):c.170G>A (p.Arg57Gln)

Gene: CNOT3 (CCR4-NOT transcription complex subunit 3; plus strand). Cytogenetic location: 19q13.42.
Variant type: single nucleotide variant.
Coding change: c.170G>A on transcript NM_014516.4 (MANE Select); coding-DNA position 170, G replaced by A.
Protein change: p.Arg57Gln; replaces arginine 57 with glutamine.
Molecular consequence: missense variant. On other transcripts: 5 prime UTR variant (2), non-coding transcript variant (2).
Genome position (GRCh38, 1-based): chr19:54,143,661, G>A. VCF-style: chr19-54143661-G-A. GRCh37 (hg19) VCF-style: chr19-54647397-G-A.
Other names: c.170G>A, p.Arg57Gln (NM_001440653.1, NM_001440654.1, NM_001440655.1 and 7 more transcripts); c.-430G>A (NM_001440659.1, NM_001440660.1); short protein forms R57Q.
Identifiers: ClinVar variation 5018889 (VCV005018889.1).
Genomic context (GRCh38, chr19:54,143,661, plus strand): 5'-GCTGTGGGCCCCAGTTCCTGGGTCCTGAGGTCTGACTTTCTTGCTTTTCCCATCTGCAGC[G>A]GCTGAGGGACCAAATCAAGACATGGGTAGCGTCCAACGAGATCAAGGACAAGAGGCAGCT-3'
Protein context (NP_055331.1, residues 47-67): DLKKEIKKLQ[Arg57Gln]LRDQIKTWVA